The following is an entry in ClinVar:

ClinVar aggregate classification (germline): Uncertain significance (1 of 4 stars; one submission).

Conditions:
Lower motor neuron syndrome with late-adult onset (SMAJ). Also called: Spinal muscular atrophy, Jokela type; Late-Onset Spinal Motor Neuronopathy (SMAJ). Identifiers: Orphanet 276435, MedGen C3554398, MONDO:0014025, OMIM 615048.
Autosomal dominant mitochondrial myopathy with exercise intolerance (IMMD). Also called: Myopathy, isolated mitochondrial, autosomal dominant. Identifiers: Orphanet 457050, MedGen C4015513, MONDO:0014532, OMIM 616209.
Frontotemporal dementia and/or amyotrophic lateral sclerosis 2. Also called: FTDALS2. Identifiers: Orphanet 275872, MedGen C4014648, MONDO:0014395, OMIM 615911.

Submission:

Labcorp Genetics (formerly Invitae), Labcorp
Classification: Uncertain significance for Lower motor neuron syndrome with late-adult onset; Frontotemporal dementia and/or amyotrophic lateral sclerosis 2; Autosomal dominant mitochondrial myopathy with exercise intolerance. Last evaluated: 2022-12-26. Review status: criteria provided, single submitter. Criteria: Invitae Variant Classification Sherloc (09022015). Collection method: clinical testing. Allele origin: germline.
Comment: In summary, the available evidence is currently insufficient to determine the role of this variant in disease. Therefore, it has been classified as a Variant of Uncertain Significance. Algorithms developed to predict the effect of missense changes on protein structure and function are either unavailable or do not agree on the potential impact of this missense change (SIFT: "Tolerated"; PolyPhen-2: "Possibly Damaging"; Align-GVGD: "Class C0"). This variant has not been reported in the literature in individuals affected with CHCHD10-related conditions. This variant is not present in population databases (gnomAD no frequency). This sequence change replaces glutamine, which is neutral and polar, with lysine, which is basic and polar, at codon 108 of the CHCHD10 protein (p.Gln108Lys).

NM_213720.3(CHCHD10):c.322C>A (p.Gln108Lys)

Gene: CHCHD10 (coiled-coil-helix-coiled-coil-helix domain containing 10; minus strand). Cytogenetic location: 22q11.23.
Variant type: single nucleotide variant.
Coding change: c.322C>A on transcript NM_213720.3 (MANE Select); coding-DNA position 322, C replaced by A.
Protein change: p.Gln108Lys; replaces glutamine 108 with lysine.
Molecular consequence: missense variant. On other transcripts: non-coding transcript variant (2).
Genome position (GRCh38, 1-based): chr22:23,766,215, G>T on the plus strand (C>A on the coding strand, the complement: CHCHD10 is on the minus strand). VCF-style: chr22-23766215-G-T. GRCh37 (hg19) VCF-style: chr22-24108402-G-T.
Other names: c.343C>A, p.Gln115Lys (NM_001301339.2); short protein forms Q108K, Q115K.
Identifiers: ClinVar variation 2941163 (VCV002941163.3), dbSNP rs1181028283, ClinGen allele CA410914810.